The following is an entry in ClinVar:

ClinVar aggregate classification (germline): Uncertain significance. Review status: criteria provided, multiple submitters, no conflicts (2 of 4 stars). 4 submissions from 4 submitters: Uncertain significance (4). Last evaluated 2024-11-14.

Conditions:
Congenital myasthenic syndrome 12 (CMS12). Also called: MYASTHENIC SYNDROME, CONGENITAL, WITH TUBULAR AGGREGATES 1; Myasthenia, congenital, 12, with tubular aggregates. Identifiers: Orphanet 353327, Orphanet 590, MedGen C3552335, MONDO:0012518, OMIM 610542.

Allele frequency attached by ClinVar (database versions not stated): TOPMed 0.00009; gnomAD 0.00012 and 0.00014.
gnomAD v4.1: 327 of 1,591,868 alleles (0.021%); highest among the groups gnomAD compares: Non-Finnish European, 0.027%; no homozygotes.

Submissions (4):

Blueprint Genetics
Classification: Uncertain significance. Last evaluated: 2024-11-14. Review status: criteria provided, single submitter. Criteria: ACMG Guidelines, 2015. Collection method: clinical testing. Allele origin: germline.

Mayo Clinic Laboratories, Mayo Clinic
Classification: Uncertain significance. Last evaluated: 2024-02-19. Review status: criteria provided, single submitter. Criteria: ACMG Guidelines, 2015. Collection method: clinical testing. Allele origin: germline. Observed: 1 variant allele.
Comment: BP4

Labcorp Genetics (formerly Invitae), Labcorp
Classification: Uncertain significance for Congenital myasthenic syndrome 12. Last evaluated: 2022-07-06. Review status: criteria provided, single submitter. Criteria: Invitae Variant Classification Sherloc (09022015). Collection method: clinical testing. Allele origin: germline.
Comment: This sequence change replaces arginine, which is basic and polar, with glutamine, which is neutral and polar, at codon 239 of the GFPT1 protein (p.Arg239Gln). This variant is present in population databases (rs555854564, gnomAD 0.03%). This variant has not been reported in the literature in individuals affected with GFPT1-related conditions. ClinVar contains an entry for this variant (Variation ID: 1343529). Algorithms developed to predict the effect of missense changes on protein structure and function output the following: SIFT: "Tolerated"; PolyPhen-2: "Benign"; Align-GVGD: "Class C0". The glutamine amino acid residue is found in multiple mammalian species, which suggests that this missense change does not adversely affect protein function. Algorithms developed to predict the effect of sequence changes on RNA splicing suggest that this variant may create or strengthen a splice site. In summary, the available evidence is currently insufficient to determine the role of this variant in disease. Therefore, it has been classified as a Variant of Uncertain Significance.

Women's Health and Genetics/Laboratory Corporation of America, LabCorp
Classification: Uncertain significance. Last evaluated: 2022-02-18. Review status: criteria provided, single submitter. Criteria: LabCorp Variant Classification Summary - May 2015. Collection method: clinical testing. Allele origin: germline.

NM_001244710.2(GFPT1):c.716G>A (p.Arg239Gln)

Gene: GFPT1 (glutamine--fructose-6-phosphate transaminase 1; minus strand). Cytogenetic location: 2p13.3.
Variant type: single nucleotide variant.
Coding change: c.716G>A on transcript NM_001244710.2 (MANE Select); coding-DNA position 716, G replaced by A.
Protein change: p.Arg239Gln; replaces arginine 239 with glutamine.
Molecular consequence: missense variant. On other transcripts: intron variant (1).
Genome position (GRCh38, 1-based): chr2:69,354,282, C>T on the plus strand (G>A on the coding strand, the complement: GFPT1 is on the minus strand). VCF-style: chr2-69354282-C-T. GRCh37 (hg19) VCF-style: chr2-69581414-C-T.
Other names: p.Arg239Gln; c.685+207G>A (NM_002056.4); short protein forms R239Q.
Identifiers: ClinVar variation 1343529 (VCV001343529.6), dbSNP rs555854564, ClinGen allele CA1693795.